The following is an entry in ClinVar:

ClinVar aggregate classification (germline): Uncertain significance. Review status: criteria provided, multiple submitters, no conflicts (2 of 4 stars). 4 submissions from 4 submitters: Uncertain significance (3). 1 of the submissions does not count toward it. Last evaluated 2024-07-23.

Conditions:
Wilson disease (WND). Also called: Wilson's disease. Identifiers: Orphanet 905, MedGen C0019202, MONDO:0010200, OMIM 277900. Disease mechanism: loss of function.

Allele frequency attached by ClinVar (database versions not stated): gnomAD exomes below 0.00001 and 0.00001; ExAC 0.00001; gnomAD 0.00001; TOPMed 0.00001; ESP Exome Variant Server 0.00008.
gnomAD v4.1: 6 of 1,614,074 alleles (0.00037%); highest among the groups gnomAD compares: African/African-American, 0.0027%; no homozygotes.

Submissions (4):

Color Diagnostics, LLC DBA Color Health
Classification: Uncertain significance for Wilson disease. Last evaluated: 2024-07-23. Review status: criteria provided, single submitter. Criteria: ACMG Guidelines, 2015. Collection method: clinical testing. Allele origin: germline.
Comment: This missense variant replaces glutamic acid with valine at codon 12 of the ATP7B protein. Computational prediction suggests that this variant may not impact protein structure and function. To our knowledge, functional studies have not been reported for this variant. This variant has not been reported in individuals affected with ATP7B-related disorders in the literature. This variant has been identified in 3/249436 chromosomes in the general population by the Genome Aggregation Database (gnomAD). The available evidence is insufficient to determine the role of this variant in disease conclusively. Therefore, this variant is classified as a Variant of Uncertain Significance.

Labcorp Genetics (formerly Invitae), Labcorp
Classification: Uncertain significance for Wilson disease. Last evaluated: 2022-04-01. Review status: criteria provided, single submitter. Criteria: Invitae Variant Classification Sherloc (09022015). Collection method: clinical testing. Allele origin: germline.
Comment: This sequence change replaces glutamic acid, which is acidic and polar, with valine, which is neutral and non-polar, at codon 12 of the ATP7B protein (p.Glu12Val). This variant is present in population databases (rs374944498, gnomAD 0.003%). This variant has not been reported in the literature in individuals affected with ATP7B-related conditions. ClinVar contains an entry for this variant (Variation ID: 991760). Advanced modeling of protein sequence and biophysical properties (such as structural, functional, and spatial information, amino acid conservation, physicochemical variation, residue mobility, and thermodynamic stability) performed at Invitae indicates that this missense variant is not expected to disrupt ATP7B protein function. Algorithms developed to predict the effect of sequence changes on RNA splicing suggest that this variant may create or strengthen a splice site. In summary, the available evidence is currently insufficient to determine the role of this variant in disease. Therefore, it has been classified as a Variant of Uncertain Significance.

Fulgent Genetics
Classification: Uncertain significance for Wilson disease. Last evaluated: 2021-10-02. Review status: criteria provided, single submitter. Criteria: ACMG Guidelines, 2015. Collection method: clinical testing. Allele origin: unknown.

Natera, Inc.
Classification: Uncertain significance for Wilson disease. Last evaluated: 2020-04-15. Review status: no assertion criteria provided. Collection method: clinical testing. Allele origin: germline. Not counted in ClinVar's aggregate classification.

NM_000053.4(ATP7B):c.35A>T (p.Glu12Val)

Gene: ATP7B (ATPase copper transporting beta; minus strand). Cytogenetic location: 13q14.3.
Variant type: single nucleotide variant.
Coding change: c.35A>T on transcript NM_000053.4 (MANE Select); coding-DNA position 35, A replaced by T.
Protein change: p.Glu12Val; replaces glutamic acid 12 with valine.
Molecular consequence: missense variant.
Genome position (GRCh38, 1-based): chr13:52,011,303, T>A on the plus strand (A>T on the coding strand, the complement: ATP7B is on the minus strand). VCF-style: chr13-52011303-T-A. GRCh37 (hg19) VCF-style: chr13-52585439-T-A.
Other names: c.35A>T, p.Glu12Val (NM_001005918.3, NM_001243182.2, NM_001330578.2 and 1 more transcripts); short protein forms E12V.
Identifiers: ClinVar variation 991760 (VCV000991760.8), dbSNP rs374944498, ClinGen allele CA6989713.